The following is an entry in ClinVar:

ClinVar aggregate classification (germline): Likely benign (1 of 4 stars; one submission).

Allele frequency attached by ClinVar (database versions not stated): TOPMed 0.00001; gnomAD exomes 0.00005; gnomAD 0.00006; ExAC 0.00017; 1000 Genomes Project 0.00079; 1000 Genomes Project 30x 0.00083.
gnomAD v4.1: 69 of 1,207,466 alleles (0.0057%); highest among the groups gnomAD compares: South Asian, 0.11%; no homozygotes.

Submission:

CeGaT Center for Human Genetics Tuebingen
Classification: Likely benign. Last evaluated: 2022-12-01. Review status: criteria provided, single submitter. Criteria: CeGaT Center For Human Genetics Tuebingen Variant Classification Criteria Version 2. Collection method: clinical testing. Allele origin: germline. Affected: yes. Observed: 1 variant allele.
Comment: IL1RAPL2: BS2; TEX13A: BP4, BS2

NM_017416.2(IL1RAPL2):c.357-14311C>G

Genes: IL1RAPL2 (interleukin 1 receptor accessory protein like 2; plus strand), TEX13A (testis expressed 13A; minus strand). Cytogenetic location: Xq22.3.
Variant type: single nucleotide variant.
Coding change: c.357-14311C>G on transcript NM_017416.2 (MANE Select); 14311 bases into the intron before coding-DNA position 357, C replaced by G.
Molecular consequence: intron variant. On other transcripts: missense variant (2).
Genome position (GRCh38, 1-based): chrX:105,219,507, C>G. VCF-style: chrX-105219507-C-G. GRCh37 (hg19) VCF-style: chrX-104464189-C-G.
Other names: c.687G>C, p.Glu229Asp (NM_001291277.2, NM_031274.5); short protein forms E229D.
Identifiers: ClinVar variation 2661121 (VCV002661121.24), dbSNP rs781880944, ClinGen allele CA10480368.
Genomic context (GRCh38, chrX:105,219,507, plus strand): 5'-AAGGAGCTGCAGGAGGATTCTCTCCAGCTTCTCTGTGGTCTCCATGGAGGCAGCCCTGGC[C>G]TCCACGTGGGGGAACTGGGTCTCCATGGGGGCAGCCCCAGCCTCCACAGGGGGAGCCATG-3'